The following is an entry in ClinVar:

ClinVar aggregate classification (germline): Likely benign. Review status: criteria provided, multiple submitters, no conflicts (2 of 4 stars). 3 submissions from 3 submitters: Likely benign (2). 1 of the submissions does not count toward it. Last evaluated 2026-01-06.

Conditions:
HMX1-related disorder. Also called: HMX1-related condition.

Allele frequency attached by ClinVar (database versions not stated): 1000 Genomes Project 30x 0.00031; 1000 Genomes Project 0.00040; TOPMed 0.00046; gnomAD exomes 0.00047 and 0.00057; gnomAD 0.00053 and 0.00054; ExAC 0.00115.
gnomAD v4.1: 879 of 1,528,918 alleles (0.057%); highest among the groups gnomAD compares: Middle Eastern, 0.17%; 1 homozygote.

Submissions (3):

Labcorp Genetics (formerly Invitae), Labcorp
Classification: Likely benign. Last evaluated: 2026-01-06. Review status: criteria provided, single submitter. Criteria: Invitae Variant Classification Sherloc (09022015). Collection method: clinical testing. Allele origin: germline.

Blueprint Genetics
Classification: Likely benign. Last evaluated: 2024-11-26. Review status: criteria provided, single submitter. Criteria: ACMG Guidelines, 2015. Collection method: clinical testing. Allele origin: germline.

PreventionGenetics, part of Exact Sciences
Classification: Likely benign for HMX1-related condition. Last evaluated: 2019-03-01. Review status: no assertion criteria provided. Collection method: clinical testing. Allele origin: germline. Not counted in ClinVar's aggregate classification.
Comment: This variant is classified as likely benign based on ACMG/AMP sequence variant interpretation guidelines (Richards et al. 2015 PMID: 25741868, with internal and published modifications).

NM_018942.3(HMX1):c.765C>T (p.Arg255=)

Gene: HMX1 (H6 family homeobox 1; minus strand). Cytogenetic location: 4p16.1.
Variant type: single nucleotide variant.
Coding change: c.765C>T on transcript NM_018942.3 (MANE Select); coding-DNA position 765, C replaced by T.
Protein change: p.Arg255=; no amino-acid change (arginine 255 retained).
Molecular consequence: synonymous variant. On other transcripts: intron variant (1).
Genome position (GRCh38, 1-based): chr4:8,867,975, G>A on the plus strand (C>T on the coding strand, the complement: HMX1 is on the minus strand). VCF-style: chr4-8867975-G-A. GRCh37 (hg19) VCF-style: chr4-8869701-G-A.
Other names: c.765C>T (NM_018942.2); c.394+3246C>T (NM_001306142.2).
Identifiers: ClinVar variation 1159841 (VCV001159841.12), dbSNP rs574706311, ClinGen allele CA2854268.